The following is an entry in ClinVar:

ClinVar aggregate classification (germline): Likely benign (1 of 4 stars; one submission).

Conditions:
Colorectal cancer, hereditary nonpolyposis, type 7. Identifiers: Orphanet 144, MedGen C1858380, MONDO:0013725, OMIM 614385.

Submission:

Myriad Genetics, Inc.
Classification: Likely benign for Colorectal cancer, hereditary nonpolyposis, type 7. Last evaluated: 2026-04-28. Review status: criteria provided, single submitter. Criteria: Myriad Autosomal Dominant, Autosomal Recessive and X-Linked Classification Criteria (2023). Collection method: clinical testing. Allele origin: unknown.
Comment: This variant is considered likely benign. This variant is intronic and is not expected to impact mRNA splicing.

NM_001040108.2(MLH3):c.3988-9G>A

Gene: MLH3 (mutL homolog 3; minus strand). Cytogenetic location: 14q24.3.
Variant type: single nucleotide variant.
Coding change: c.3988-9G>A on transcript NM_001040108.2 (MANE Select); 9 bases into the intron before coding-DNA position 3988, G replaced by A.
Molecular consequence: intron variant.
Genome position (GRCh38, 1-based): chr14:75,023,027, C>T on the plus strand (G>A on the coding strand, the complement: MLH3 is on the minus strand). VCF-style: chr14-75023027-C-T. GRCh37 (hg19) VCF-style: chr14-75489730-C-T.
Other names: c.3916-9G>A (NM_014381.3).
Identifiers: ClinVar variation 4875900 (VCV004875900.1).